The following is an entry in ClinVar:

NM_003560.4(PLA2G6):c.2316G>T (p.Glu772Asp)

Gene: PLA2G6 (phospholipase A2 group VI; minus strand). Cytogenetic location: 22q13.1.
Variant type: single nucleotide variant.
Coding change: c.2316G>T on transcript NM_003560.4 (MANE Select); coding-DNA position 2316, G replaced by T.
Protein change: p.Glu772Asp; replaces glutamic acid 772 with aspartic acid.
Molecular consequence: missense variant.
Genome position (GRCh38, 1-based): chr22:38,112,266, C>A on the plus strand (G>T on the coding strand, the complement: PLA2G6 is on the minus strand). VCF-style: chr22-38112266-C-A. GRCh37 (hg19) VCF-style: chr22-38508273-C-A.
Other names: c.2154G>T, p.Glu718Asp (NM_001004426.3, NM_001199562.3, NM_001349865.2 and 1 more transcripts); c.2316G>T, p.Glu772Asp (NM_001349864.2); c.1782G>T, p.Glu594Asp (NM_001349867.2); c.1638G>T, p.Glu546Asp (NM_001349868.2); c.1620G>T, p.Glu540Asp (NM_001349869.2); short protein forms E540D, E546D, E772D, E718D, E594D.
Identifiers: ClinVar variation 2014748 (VCV002014748.1), dbSNP rs761874020, ClinGen allele CA10230536.

ClinVar aggregate classification (germline): Uncertain significance (1 of 4 stars; one submission).

Conditions:
Infantile neuroaxonal dystrophy (NBIA2A). Also called: NEURODEGENERATION WITH BRAIN IRON ACCUMULATION 2A; SEITELBERGER DISEASE; Infantile neuroaxonal dystrophy 1. Identifiers: Orphanet 35069, MedGen C0270724, MONDO:0024457, OMIM 256600.

Allele frequency attached by ClinVar (database versions not stated): ExAC 0.00001; gnomAD exomes below 0.00001.
gnomAD v4.1: 2 of 1,613,632 alleles (0.00012%); highest among the groups gnomAD compares: Admixed American, 0.0017%; no homozygotes.

Submission:

Labcorp Genetics (formerly Invitae), Labcorp
Classification: Uncertain significance for Infantile neuroaxonal dystrophy. Last evaluated: 2022-07-07. Review status: criteria provided, single submitter. Criteria: Invitae Variant Classification Sherloc (09022015). Collection method: clinical testing. Allele origin: germline.
Comment: This sequence change replaces glutamic acid, which is acidic and polar, with aspartic acid, which is acidic and polar, at codon 772 of the PLA2G6 protein (p.Glu772Asp). This variant is present in population databases (rs761874020, gnomAD 0.003%). This variant has not been reported in the literature in individuals affected with PLA2G6-related conditions. Advanced modeling of protein sequence and biophysical properties (such as structural, functional, and spatial information, amino acid conservation, physicochemical variation, residue mobility, and thermodynamic stability) performed at Invitae indicates that this missense variant is expected to disrupt PLA2G6 protein function. In summary, the available evidence is currently insufficient to determine the role of this variant in disease. Therefore, it has been classified as a Variant of Uncertain Significance.